The following is an entry in ClinVar:

ClinVar aggregate classification (germline): Uncertain significance (1 of 4 stars; one submission).

Allele frequency attached by ClinVar (database versions not stated): TOPMed 0.00001; 1000 Genomes Project 30x 0.00016; 1000 Genomes Project 0.00020.
gnomAD v4.1: 4 of 1,613,722 alleles (0.00025%); highest among the groups gnomAD compares: African/African-American, 0.0053%; no homozygotes.

Submission:

Labcorp Genetics (formerly Invitae), Labcorp
Classification: Uncertain significance. Last evaluated: 2022-07-12. Review status: criteria provided, single submitter. Criteria: Invitae Variant Classification Sherloc (09022015). Collection method: clinical testing. Allele origin: germline.
Comment: In summary, the available evidence is currently insufficient to determine the role of this variant in disease. Therefore, it has been classified as a Variant of Uncertain Significance. Algorithms developed to predict the effect of missense changes on protein structure and function (SIFT, PolyPhen-2, Align-GVGD) all suggest that this variant is likely to be tolerated. ClinVar contains an entry for this variant (Variation ID: 1497607). This variant has not been reported in the literature in individuals affected with P3H2-related conditions. This variant is present in population databases (rs181536548, gnomAD 0.007%). This sequence change replaces valine, which is neutral and non-polar, with leucine, which is neutral and non-polar, at codon 176 of the P3H2 protein (p.Val176Leu).

NM_018192.4(P3H2):c.526G>C (p.Val176Leu)

Gene: P3H2 (prolyl 3-hydroxylase 2; minus strand). Cytogenetic location: 3q28.
Variant type: single nucleotide variant.
Coding change: c.526G>C on transcript NM_018192.4 (MANE Select); coding-DNA position 526, G replaced by C.
Protein change: p.Val176Leu; replaces valine 176 with leucine.
Molecular consequence: missense variant. On other transcripts: 5 prime UTR variant (1).
Genome position (GRCh38, 1-based): chr3:189,995,397, C>G on the plus strand (G>C on the coding strand, the complement: P3H2 is on the minus strand). VCF-style: chr3-189995397-C-G. GRCh37 (hg19) VCF-style: chr3-189713186-C-G.
Other names: c.-18G>C (NM_001134418.2); short protein forms V176L.
Identifiers: ClinVar variation 1497607 (VCV001497607.8), dbSNP rs181536548, ClinGen allele CA2753315.